The following is an entry in ClinVar:

ClinVar aggregate classification (germline): Uncertain significance. Review status: criteria provided, multiple submitters, no conflicts (2 of 4 stars). 2 submissions from 2 submitters: Uncertain significance (2). Last evaluated 2023-05-05.

Conditions:
Inborn genetic diseases. Identifiers: MedGen C0950123, MeSH D030342.
Charcot-Marie-Tooth disease axonal type 2L. Also called: CHARCOT-MARIE-TOOTH DISEASE, AXONAL, AUTOSOMAL DOMINANT, TYPE 2L; CHARCOT-MARIE-TOOTH NEUROPATHY, AXONAL, TYPE 2L; Charcot-Marie-Tooth Neuropathy Type 2L. Identifiers: Orphanet 99945, MedGen C1837552, MONDO:0012096, OMIM 608673.

Allele frequency attached by ClinVar (database versions not stated): gnomAD exomes below 0.00001; gnomAD 0.00001.

Submissions (2):

Labcorp Genetics (formerly Invitae), Labcorp
Classification: Uncertain significance for Charcot-Marie-Tooth disease axonal type 2L. Last evaluated: 2023-05-05. Review status: criteria provided, single submitter. Criteria: Invitae Variant Classification Sherloc (09022015). Collection method: clinical testing. Allele origin: germline.
Comment: In summary, the available evidence is currently insufficient to determine the role of this variant in disease. Therefore, it has been classified as a Variant of Uncertain Significance. An algorithm developed to predict the effect of missense changes on protein structure and function (PolyPhen-2) suggests that this variant is likely to be disruptive. ClinVar contains an entry for this variant (Variation ID: 1359615). This variant has not been reported in the literature in individuals affected with HSPB8-related conditions. This variant is present in population databases (no rsID available, gnomAD 0.0009%). This sequence change replaces proline, which is neutral and non-polar, with leucine, which is neutral and non-polar, at codon 160 of the HSPB8 protein (p.Pro160Leu).

Ambry Genetics
Classification: Uncertain significance for Inborn genetic diseases. Last evaluated: 2023-03-24. Review status: criteria provided, single submitter. Criteria: Ambry Variant Classification Scheme 2023. Collection method: clinical testing. Allele origin: germline.

NM_014365.3(HSPB8):c.479C>T (p.Pro160Leu)

Gene: HSPB8 (heat shock protein family B (small) member 8; plus strand). Cytogenetic location: 12q24.23.
Variant type: single nucleotide variant.
Coding change: c.479C>T on transcript NM_014365.3 (MANE Select); coding-DNA position 479, C replaced by T.
Protein change: p.Pro160Leu; replaces proline 160 with leucine.
Molecular consequence: missense variant.
Genome position (GRCh38, 1-based): chr12:119,193,746, C>T. VCF-style: chr12-119193746-C-T. GRCh37 (hg19) VCF-style: chr12-119631551-C-T.
Other names: c.479C>T (NM_014365.2); short protein forms P160L.
Identifiers: ClinVar variation 1359615 (VCV001359615.7), dbSNP rs1403551142, ClinGen allele CA386532126.